The following is an entry in ClinVar:

ClinVar aggregate classification (germline): Conflicting classifications of pathogenicity. Review status: criteria provided, conflicting classifications (1 of 4 stars). 2 submissions from 2 submitters: Uncertain significance (1); Likely benign (1). Last evaluated 2026-01-26.

Conditions:
Cardiovascular phenotype. Identifiers: MedGen CN230736.

gnomAD v4.1: 6 of 1,613,972 alleles (0.00037%); highest among the groups gnomAD compares: Non-Finnish European, 0.00051%; no homozygotes.

Submissions (2):

Ambry Genetics
Classification: Likely benign for Cardiovascular phenotype. Last evaluated: 2026-01-26. Review status: criteria provided, single submitter. Criteria: Ambry Variant Classification Scheme 2023. Collection method: clinical testing. Allele origin: germline.

GeneDx
Classification: Uncertain significance. Last evaluated: 2024-05-30. Review status: criteria provided, single submitter. Criteria: GeneDx Variant Classification Process June 2021. Collection method: clinical testing. Allele origin: germline. Affected: yes.
Comment: Not observed at significant frequency in large population cohorts (gnomAD); In silico analysis indicates that this missense variant does not alter protein structure/function; Has not been previously published as pathogenic or benign to our knowledge

NM_001378454.1(ALMS1):c.1283G>A (p.Gly428Asp)

Gene: ALMS1 (ALMS1 centrosome and basal body associated protein; plus strand). Cytogenetic location: 2p13.1.
Variant type: single nucleotide variant.
Coding change: c.1283G>A on transcript NM_001378454.1 (MANE Select); coding-DNA position 1283, G replaced by A.
Protein change: p.Gly428Asp; replaces glycine 428 with aspartic acid.
Molecular consequence: missense variant.
Genome position (GRCh38, 1-based): chr2:73,426,498, G>A. VCF-style: chr2-73426498-G-A. GRCh37 (hg19) VCF-style: chr2-73653626-G-A.
Other names: c.1286G>A, p.Gly429Asp (NM_015120.4); short protein forms G428D, G429D.
Identifiers: ClinVar variation 3383518 (VCV003383518.2).
Genomic context (GRCh38, chr2:73,426,498, plus strand): 5'-ACTCCTATTTTGTAGAGGGCCTGCAGGGGAAGGTTGAGTCTGACGTCATTACTCTGGATG[G>A]CCTAAATGAAAATGCTGTTGTATGCAGTGAAAGAGTTGCTGAACTACAAAGAAAGGTGAG-3'
Protein context (NP_001365383.1, residues 418-438): KVESDVITLD[Gly428Asp]LNENAVVCSE